The following is an entry in ClinVar:

NM_003906.5(MCM3AP):c.1226T>C (p.Leu409Pro)

Gene: MCM3AP (minichromosome maintenance complex component 3 associated protein; minus strand). Cytogenetic location: 21q22.3.
Variant type: single nucleotide variant.
Coding change: c.1226T>C on transcript NM_003906.5 (MANE Select); coding-DNA position 1226, T replaced by C.
Protein change: p.Leu409Pro; replaces leucine 409 with proline.
Molecular consequence: missense variant.
Genome position (GRCh38, 1-based): chr21:46,283,832, A>G on the plus strand (T>C on the coding strand, the complement: MCM3AP is on the minus strand). VCF-style: chr21-46283832-A-G. GRCh37 (hg19) VCF-style: chr21-47703746-A-G.
Other names: short protein forms L409P.
Identifiers: ClinVar variation 1367911 (VCV001367911.20), dbSNP rs145552585, ClinGen allele CA10077144.

ClinVar aggregate classification (germline): Uncertain significance. Review status: criteria provided, multiple submitters, no conflicts (2 of 4 stars). 6 submissions from 6 submitters: Uncertain significance (6). Last evaluated 2026-06-15.

Conditions:
Peripheral neuropathy, autosomal recessive, with or without impaired intellectual development. Identifiers: MedGen C4748283, MONDO:0029131, OMIM 618124.

Allele frequency attached by ClinVar (database versions not stated): ExAC 0.00029; 1000 Genomes Project 30x 0.00031; gnomAD exomes 0.00032 and 0.00040; gnomAD 0.00033 and 0.00036; TOPMed 0.00035; 1000 Genomes Project 0.00040; ESP Exome Variant Server 0.00046.
gnomAD v4.1: 633 of 1,612,318 alleles (0.039%); highest among the groups gnomAD compares: Admixed American, 0.053%; 1 homozygote.

Submissions (6):

Women's Health and Genetics/Laboratory Corporation of America, LabCorp
Classification: Uncertain significance. Last evaluated: 2026-06-15. Review status: criteria provided, single submitter. Criteria: LabCorp Variant Classification Summary - May 2015. Collection method: clinical testing. Allele origin: germline.
Comment: Variant summary: MCM3AP c.1226T>C (p.Leu409Pro) results in a non-conservative amino acid change in the encoded protein sequence. Algorithms developed to predict the effect of missense changes on protein structure and function are either unavailable or do not agree on the potential impact of this missense change. The variant allele was found at a frequency of 0.00032 in 251074 control chromosomes. This frequency is not significantly higher than estimated for disease-causing variants in MCM3AP, allowing no conclusion about variant significance. c.1226T>C has been observed in at least one homozygous individual(s) affected with MCM3AP-related conditions (Gogus_2024). These data indicate that the variant may be associated with disease. To our knowledge, no experimental evidence demonstrating an impact on protein function has been reported. The following publication has been ascertained in the context of this evaluation (PMID: 38587696). ClinVar contains an entry for this variant (Variation ID: 1367911). Based on the evidence outlined above, the variant was classified as VUS-possibly pathogenic.

CeGaT Center for Human Genetics Tuebingen
Classification: Uncertain significance. Last evaluated: 2025-02-01. Review status: criteria provided, single submitter. Criteria: CeGaT Center For Human Genetics Tuebingen Variant Classification Criteria Version 2. Collection method: clinical testing. Allele origin: germline. Affected: yes. Observed: 1 variant allele.

Blueprint Genetics
Classification: Uncertain significance. Last evaluated: 2024-11-22. Review status: criteria provided, single submitter. Criteria: ACMG Guidelines, 2015. Collection method: clinical testing. Allele origin: germline.

Department of Pathology and Laboratory Medicine, Sinai Health System
Classification: Uncertain significance for Peripheral neuropathy, autosomal recessive, with or without impaired intellectual development. Last evaluated: 2023-02-09. Review status: criteria provided, single submitter. Criteria: ACMG Guidelines, 2015. Collection method: research. Allele origin: germline.

Labcorp Genetics (formerly Invitae), Labcorp
Classification: Uncertain significance. Last evaluated: 2022-10-26. Review status: criteria provided, single submitter. Criteria: Invitae Variant Classification Sherloc (09022015). Collection method: clinical testing. Allele origin: germline.
Comment: This sequence change replaces leucine, which is neutral and non-polar, with proline, which is neutral and non-polar, at codon 409 of the MCM3AP protein (p.Leu409Pro). This variant is present in population databases (rs145552585, gnomAD 0.1%). This variant has not been reported in the literature in individuals affected with MCM3AP-related conditions. ClinVar contains an entry for this variant (Variation ID: 1367911). Algorithms developed to predict the effect of missense changes on protein structure and function are either unavailable or do not agree on the potential impact of this missense change (SIFT: "Deleterious"; PolyPhen-2: "Probably Damaging"; Align-GVGD: "Class C0"). In summary, the available evidence is currently insufficient to determine the role of this variant in disease. Therefore, it has been classified as a Variant of Uncertain Significance.

Breakthrough Genomics
Classification: Uncertain significance. Review status: criteria provided, single submitter. Criteria: ACMG Guidelines, 2015. Collection method: not provided. Allele origin: germline. Inheritance: Autosomal dominant inheritance. Affected: yes.

Literature cited by the submitters: PubMed 38587696 (cited by Women's Health and Genetics/Laboratory Corporation of America, LabCorp).